The following is an entry in ClinVar:

NM_001369.3(DNAH5):c.8820+1G>A

Gene: DNAH5 (dynein axonemal heavy chain 5; minus strand). Cytogenetic location: 5p15.2.
Variant type: single nucleotide variant.
Coding change: c.8820+1G>A on transcript NM_001369.3 (MANE Select); the canonical splice donor site of the intron after coding-DNA position 8820, G replaced by A.
Molecular consequence: splice donor variant.
Genome position (GRCh38, 1-based): chr5:13,786,178, C>T on the plus strand (G>A on the coding strand, the complement: DNAH5 is on the minus strand). VCF-style: chr5-13786178-C-T. GRCh37 (hg19) VCF-style: chr5-13786287-C-T.
Identifiers: ClinVar variation 4814919 (VCV004814919.1).
Genomic context (GRCh38, chr5:13,786,178, plus strand): 5'-CATGGTGTGAAGCCAAATGTCTGTCACCTCCACAAGGCACTACTCAGAGTGGCTACTGTA[C>T]CTTGACTAAGTGAACCATGGCATCTGCAAAGAACACCATGTCCATGCCGGCGCCACGGAT-3'

ClinVar aggregate classification (germline): Likely pathogenic (1 of 4 stars; one submission).

Conditions:
Primary ciliary dyskinesia. Also called: Ciliary dyskinesia. Identifiers: Orphanet 244, MedGen C0008780, MONDO:0016575, HP:0012265.

gnomAD v4.1: 1 of 1,613,804 alleles (0.000062%); highest among the groups gnomAD compares: Non-Finnish European, 0.000085%; no homozygotes.

Submission:

Natera, Inc.
Classification: Likely pathogenic for Primary ciliary dyskinesia. Last evaluated: 2024-06-13. Review status: criteria provided, single submitter. Criteria: Natera Variant Classification Schema (03/2026). Collection method: clinical testing. Allele origin: germline.
Comment: The c.8820+1G>A variant in DNAH5 is a canonical splice donor site variant predicted to affect pre-mRNA splicing, which may result in an abnormal transcript and altered protein product. This variant is expected to result in nonsense mediated decay, truncation, or a dysfunctional protein product. This variant is rare in the general population with a frequency below the threshold expected for the associated phenotype(s). Given the available evidence, this variant is classified as Likely Pathogenic.